The following is an entry in ClinVar:

NM_022124.6(CDH23):c.484G>A (p.Gly162Arg)

Gene: CDH23 (cadherin related 23; plus strand). Cytogenetic location: 10q22.1.
Variant type: single nucleotide variant.
Coding change: c.484G>A on transcript NM_022124.6 (MANE Select); coding-DNA position 484, G replaced by A.
Protein change: p.Gly162Arg; replaces glycine 162 with arginine.
Molecular consequence: missense variant.
Genome position (GRCh38, 1-based): chr10:71,566,796, G>A. VCF-style: chr10-71566796-G-A. GRCh37 (hg19) VCF-style: chr10-73326553-G-A.
Other names: c.484G>A, p.Gly162Arg (NM_001171930.2, NM_001171931.2, NM_001171932.2 and 1 more transcripts); short protein forms G162R.
Identifiers: ClinVar variation 2136878 (VCV002136878.5), dbSNP rs2493463036, ClinGen allele CA377111861.

ClinVar aggregate classification (germline): Conflicting classifications of pathogenicity. Review status: criteria provided, conflicting classifications (1 of 4 stars). 2 submissions from 2 submitters: Pathogenic (1); Uncertain significance (1). Last evaluated 2022-09-17.

gnomAD v4.1: 3 of 1,612,918 alleles (0.00019%); highest among the groups gnomAD compares: Non-Finnish European, 0.00017%; no homozygotes.

Submissions (2):

Labcorp Genetics (formerly Invitae), Labcorp
Classification: Pathogenic. Last evaluated: 2022-09-17. Review status: criteria provided, single submitter. Criteria: Invitae Variant Classification Sherloc (09022015). Collection method: clinical testing. Allele origin: germline.
Comment: This variant is not present in population databases (gnomAD no frequency). This missense change has been observed in individual(s) with Usher syndrome (PMID: 25575603, 33576794; Invitae). In at least one individual the data is consistent with being in trans (on the opposite chromosome) from a pathogenic variant. Advanced modeling of protein sequence and biophysical properties (such as structural, functional, and spatial information, amino acid conservation, physicochemical variation, residue mobility, and thermodynamic stability) has been performed at Invitae for this missense variant, however the output from this modeling did not meet the statistical confidence thresholds required to predict the impact of this variant on CDH23 protein function. For these reasons, this variant has been classified as Pathogenic. This sequence change replaces glycine, which is neutral and non-polar, with arginine, which is basic and polar, at codon 162 of the CDH23 protein (p.Gly162Arg).

Blueprint Genetics
Classification: Uncertain significance. Last evaluated: 2019-11-29. Review status: criteria provided, single submitter. Criteria: ACMG Guidelines, 2015. Collection method: clinical testing. Allele origin: germline.

Literature cited by the submitters: PubMed 25575603 (cited by Labcorp Genetics (formerly Invitae), Labcorp); PubMed 33576794 (cited by Labcorp Genetics (formerly Invitae), Labcorp).